The following is an entry in ClinVar:

ClinVar aggregate classification (germline): Uncertain significance (1 of 4 stars; one submission).

Conditions:
Charcot-Marie-Tooth disease axonal type 2O. Also called: CHARCOT-MARIE-TOOTH NEUROPATHY, AXONAL, TYPE 2O; CHARCOT-MARIE-TOOTH DISEASE, AXONAL, AUTOSOMAL DOMINANT, TYPE 2O; Charcot-Marie-Tooth Neuropathy Type 2O; Charcot-Marie-Tooth disease, axonal, type 20. Identifiers: Orphanet 284232, MedGen C3280220, MONDO:0013644, OMIM 614228.

Submission:

Labcorp Genetics (formerly Invitae), Labcorp
Classification: Uncertain significance for Charcot-Marie-Tooth disease axonal type 2O. Last evaluated: 2025-10-08. Review status: criteria provided, single submitter. Criteria: Invitae Variant Classification Sherloc (09022015). Collection method: clinical testing. Allele origin: germline.
Comment: This sequence change replaces phenylalanine, which is neutral and non-polar, with leucine, which is neutral and non-polar, at codon 2776 of the DYNC1H1 protein (p.Phe2776Leu). This variant is not present in population databases (gnomAD no frequency). This variant has not been reported in the literature in individuals affected with DYNC1H1-related conditions. ClinVar contains an entry for this variant (Variation ID: 2851763). Invitae Evidence Modeling of protein sequence and biophysical properties (such as structural, functional, and spatial information, amino acid conservation, physicochemical variation, residue mobility, and thermodynamic stability) indicates that this missense variant is not expected to disrupt DYNC1H1 protein function with a negative predictive value of 95%. In summary, the available evidence is currently insufficient to determine the role of this variant in disease. Therefore, it has been classified as a Variant of Uncertain Significance.

NM_001376.5(DYNC1H1):c.8328C>G (p.Phe2776Leu)

Gene: DYNC1H1 (dynein cytoplasmic 1 heavy chain 1; plus strand). Cytogenetic location: 14q32.31.
Variant type: single nucleotide variant.
Coding change: c.8328C>G on transcript NM_001376.5 (MANE Select); coding-DNA position 8328, C replaced by G.
Protein change: p.Phe2776Leu; replaces phenylalanine 2776 with leucine.
Molecular consequence: missense variant.
Genome position (GRCh38, 1-based): chr14:102,018,601, C>G. VCF-style: chr14-102018601-C-G. GRCh37 (hg19) VCF-style: chr14-102484938-C-G.
Other names: short protein forms F2776L.
Identifiers: ClinVar variation 2851763 (VCV002851763.3), dbSNP rs2503777671, ClinGen allele CA391005783.